The following is an entry in ClinVar:

ClinVar aggregate classification (germline): Likely benign. Review status: criteria provided, multiple submitters, no conflicts (2 of 4 stars). 3 submissions from 3 submitters: Likely benign (3). Last evaluated 2024-05-09.

Allele frequency attached by ClinVar (database versions not stated): gnomAD 0.00008 and 0.00009; gnomAD exomes 0.00012 and 0.00021; TOPMed 0.00012; ExAC 0.00013; ESP Exome Variant Server 0.00015; 1000 Genomes Project 30x 0.00016; 1000 Genomes Project 0.00020.

Submissions (3):

Labcorp Genetics (formerly Invitae), Labcorp
Classification: Likely benign. Last evaluated: 2024-05-09. Review status: criteria provided, single submitter. Criteria: Invitae Variant Classification Sherloc (09022015). Collection method: clinical testing. Allele origin: germline.

CeGaT Center for Human Genetics Tuebingen
Classification: Likely benign. Last evaluated: 2022-07-01. Review status: criteria provided, single submitter. Criteria: CeGaT Center For Human Genetics Tuebingen Variant Classification Criteria Version 2. Collection method: clinical testing. Allele origin: germline. Affected: yes. Observed: 2 variant alleles.
Comment: GJB3: BP4, BP7

GeneDx
Classification: Likely benign. Last evaluated: 2021-01-20. Review status: criteria provided, single submitter. Criteria: GeneDx Variant Classification Process June 2021. Collection method: clinical testing. Allele origin: germline. Affected: yes.

NM_024009.3(GJB3):c.57G>A (p.Ala19=)

Gene: GJB3 (gap junction protein beta 3; plus strand). Cytogenetic location: 1p34.3.
Variant type: single nucleotide variant.
Coding change: c.57G>A on transcript NM_024009.3 (MANE Select); coding-DNA position 57, G replaced by A.
Protein change: p.Ala19=; no amino-acid change (alanine 19 retained).
Molecular consequence: synonymous variant.
Genome position (GRCh38, 1-based): chr1:34,784,819, G>A. VCF-style: chr1-34784819-G-A. GRCh37 (hg19) VCF-style: chr1-35250420-G-A.
Other names: c.57G>A, p.Ala19= (NM_001005752.2).
Identifiers: ClinVar variation 711664 (VCV000711664.38), dbSNP rs77186953, ClinGen allele CA754730.